The following is an entry in ClinVar:

ClinVar aggregate classification (germline): Uncertain significance (1 of 4 stars; one submission).

gnomAD v4.1: 2 of 1,614,182 alleles (0.00012%); highest among the groups gnomAD compares: Non-Finnish European, 0.00017%; no homozygotes.

Submission:

GeneDx
Classification: Uncertain significance. Last evaluated: 2025-08-20. Review status: criteria provided, single submitter. Criteria: GeneDx Variant Classification Process June 2021. Collection method: clinical testing. Allele origin: germline. Affected: yes.
Comment: Not observed at significant frequency in large population cohorts (gnomAD); In silico analysis supports a deleterious effect on splicing; Has not been previously published as pathogenic or benign to our knowledge

NM_020401.4(NUP107):c.8+5G>C

Gene: NUP107 (nucleoporin 107; plus strand). Cytogenetic location: 12q15.
Variant type: single nucleotide variant.
Coding change: c.8+5G>C on transcript NM_020401.4 (MANE Select); 5 bases into the intron after coding-DNA position 8, G replaced by C.
Molecular consequence: intron variant.
Genome position (GRCh38, 1-based): chr12:68,687,078, G>C. VCF-style: chr12-68687078-G-C. GRCh37 (hg19) VCF-style: chr12-69080858-G-C.
Other names: c.-108+5G>C (NM_001330192.2).
Identifiers: ClinVar variation 4796648 (VCV004796648.1).